The following is an entry in ClinVar:

NM_000038.6(APC):c.1165A>T (p.Asn389Tyr)

Gene: APC (APC regulator of Wnt signaling pathway; plus strand). Cytogenetic location: 5q22.2.
Variant type: single nucleotide variant.
Coding change: c.1165A>T on transcript NM_000038.6 (MANE Select); coding-DNA position 1165, A replaced by T.
Protein change: p.Asn389Tyr; replaces asparagine 389 with tyrosine.
Molecular consequence: missense variant. On other transcripts: intron variant (15), non-coding transcript variant (2).
Genome position (GRCh38, 1-based): chr5:112,819,197, A>T. VCF-style: chr5-112819197-A-T. GRCh37 (hg19) VCF-style: chr5-112154894-A-T.
Other names: c.1090A>T, p.Asn364Tyr (NM_001354898.2, NM_001407451.1); c.1081A>T, p.Asn361Tyr (NM_001354899.2, NM_001407452.1); c.988A>T, p.Asn330Tyr (NM_001354900.2, NM_001354901.2, NM_001407453.1); c.316A>T, p.Asn106Tyr (NM_001354906.2, NM_001407470.1); c.1195A>T, p.Asn399Tyr (NM_001407446.1, NM_001354897.2); c.1165A>T, p.Asn389Tyr (NM_001407447.1, NM_001407448.1, NM_001407449.1 and 4 more transcripts); c.934-72A>T (NM_001407459.1, NM_001407454.1, NM_001354903.2 and 5 more transcripts); c.859-72A>T (NM_001354904.2); and 5 more; short protein forms N106Y, N371Y, N389Y, N364Y, N399Y, N330Y, N361Y.
Identifiers: ClinVar variation 5025945 (VCV005025945.1).

ClinVar aggregate classification (germline): Uncertain significance (1 of 4 stars; one submission).

Conditions:
Hereditary cancer-predisposing syndrome. Also called: Neoplastic Syndromes, Hereditary; Tumor predisposition; Hereditary neoplastic syndrome; Hereditary Cancer Syndrome. Identifiers: Orphanet 140162, MedGen C0027672, MeSH D009386, MONDO:0015356.

Submission:

Ambry Genetics
Classification: Uncertain significance for Hereditary cancer-predisposing syndrome. Last evaluated: 2026-08-27. Review status: criteria provided, single submitter. Criteria: Ambry Variant Classification Scheme 2023. Collection method: clinical testing. Allele origin: germline.
Comment: The p.N389Y variant (also known as c.1165A>T), located in coding exon 9 of the APC gene, results from an A to T substitution at nucleotide position 1165. The asparagine at codon 389 is replaced by tyrosine, an amino acid with dissimilar properties. This amino acid position is conserved. In addition, in silico predictors for this gene do not accurately predict pathogenicity. Based on the available evidence, the clinical significance of this variant remains unclear.